The following is an entry in ClinVar:

ClinVar aggregate classification (germline): Uncertain significance (1 of 4 stars; one submission).

Conditions:
Hereditary cancer-predisposing syndrome. Also called: Neoplastic Syndromes, Hereditary; Tumor predisposition; Hereditary neoplastic syndrome; Hereditary Cancer Syndrome. Identifiers: Orphanet 140162, MedGen C0027672, MeSH D009386, MONDO:0015356.

Submission:

Ambry Genetics
Classification: Uncertain significance for Hereditary cancer-predisposing syndrome. Last evaluated: 2022-12-15. Review status: criteria provided, single submitter. Criteria: Ambry Variant Classification Scheme 2023. Collection method: clinical testing. Allele origin: germline.
Comment: The p.Q307R variant (also known as c.920A>G), located in coding exon 8 of the SUFU gene, results from an A to G substitution at nucleotide position 920. The glutamine at codon 307 is replaced by arginine, an amino acid with highly similar properties. This amino acid position is highly conserved in available vertebrate species. In addition, the in silico prediction for this alteration is inconclusive. Since supporting evidence is limited at this time, the clinical significance of this alteration remains unclear.

NM_016169.4(SUFU):c.920A>G (p.Gln307Arg)

Gene: SUFU (SUFU negative regulator of hedgehog signaling; plus strand). Cytogenetic location: 10q24.32.
Variant type: single nucleotide variant.
Coding change: c.920A>G on transcript NM_016169.4 (MANE Select); coding-DNA position 920, A replaced by G.
Protein change: p.Gln307Arg; replaces glutamine 307 with arginine.
Molecular consequence: missense variant.
Genome position (GRCh38, 1-based): chr10:102,599,442, A>G. VCF-style: chr10-102599442-A-G. GRCh37 (hg19) VCF-style: chr10-104359199-A-G.
Other names: c.920A>G, p.Gln307Arg (NM_001178133.2); short protein forms Q307R.
Identifiers: ClinVar variation 2452604 (VCV002452604.2), dbSNP rs2545100306, ClinGen allele CA377911009.